The following is an entry in ClinVar:

NM_001128840.3(CACNA1D):c.391T>C (p.Phe131Leu)

Gene: CACNA1D (calcium voltage-gated channel subunit alpha1 D; plus strand). Cytogenetic location: 3p21.1.
Variant type: single nucleotide variant.
Coding change: c.391T>C on transcript NM_001128840.3 (MANE Select); coding-DNA position 391, T replaced by C.
Protein change: p.Phe131Leu; replaces phenylalanine 131 with leucine.
Molecular consequence: missense variant.
Genome position (GRCh38, 1-based): chr3:53,501,628, T>C. VCF-style: chr3-53501628-T-C. GRCh37 (hg19) VCF-style: chr3-53535655-T-C.
Other names: c.391T>C, p.Phe131Leu (NM_000720.4, NM_001128839.3); short protein forms F131L.
Identifiers: ClinVar variation 1977477 (VCV001977477.5), dbSNP rs2471540590, ClinGen allele CA353382578.

ClinVar aggregate classification (germline): Uncertain significance (1 of 4 stars; one submission).

gnomAD v4.1: 1 of 1,556,754 alleles (0.000064%); highest among the groups gnomAD compares: Non-Finnish European, 0.000089%; no homozygotes.

Submission:

Labcorp Genetics (formerly Invitae), Labcorp
Classification: Uncertain significance. Last evaluated: 2022-12-04. Review status: criteria provided, single submitter. Criteria: Invitae Variant Classification Sherloc (09022015). Collection method: clinical testing. Allele origin: germline.
Comment: This sequence change replaces phenylalanine, which is neutral and non-polar, with leucine, which is neutral and non-polar, at codon 131 of the CACNA1D protein (p.Phe131Leu). This variant is not present in population databases (gnomAD no frequency). This variant has not been reported in the literature in individuals affected with CACNA1D-related conditions. Advanced modeling of protein sequence and biophysical properties (such as structural, functional, and spatial information, amino acid conservation, physicochemical variation, residue mobility, and thermodynamic stability) performed at Invitae indicates that this missense variant is not expected to disrupt CACNA1D protein function. In summary, the available evidence is currently insufficient to determine the role of this variant in disease. Therefore, it has been classified as a Variant of Uncertain Significance.